The following is an entry in ClinVar:

ClinVar aggregate classification (germline): Uncertain significance (1 of 4 stars; one submission).

Conditions:
Autosomal dominant nonsyndromic hearing loss 1. Also called: DEAFNESS, AUTOSOMAL DOMINANT 1, WITH OR WITHOUT THROMBOCYTOPENIA; KONIGSMARK SYNDROME. Identifiers: Orphanet 90635, MedGen C1852282, MONDO:0007424, OMIM 124900.
Progressive microcephaly-seizures-cortical blindness-developmental delay syndrome. Also called: Seizures, cortical blindness, and microcephaly syndrome. Identifiers: Orphanet 477814, MedGen C5567650, MONDO:0014714, OMIM 616632.

Allele frequency attached by ClinVar (database versions not stated): gnomAD exomes below 0.00001.
gnomAD v4.1: 2 of 1,596,330 alleles (0.00013%); highest among the groups gnomAD compares: Non-Finnish European, 0.00017%; no homozygotes.

Submission:

Labcorp Genetics (formerly Invitae), Labcorp
Classification: Uncertain significance for Progressive microcephaly-seizures-cortical blindness-developmental delay syndrome; Autosomal dominant nonsyndromic hearing loss 1. Last evaluated: 2025-08-19. Review status: criteria provided, single submitter. Criteria: Invitae Variant Classification Sherloc (09022015). Collection method: clinical testing. Allele origin: germline.
Comment: This sequence change replaces glutamine, which is neutral and polar, with proline, which is neutral and non-polar, at codon 1061 of the DIAPH1 protein (p.Gln1061Pro). This variant is not present in population databases (gnomAD no frequency). This variant has not been reported in the literature in individuals affected with DIAPH1-related conditions. ClinVar contains an entry for this variant (Variation ID: 1999321). An algorithm developed to predict the effect of missense changes on protein structure and function (PolyPhen-2) suggests that this variant is likely to be disruptive. In summary, the available evidence is currently insufficient to determine the role of this variant in disease. Therefore, it has been classified as a Variant of Uncertain Significance.

NM_005219.5(DIAPH1):c.3182A>C (p.Gln1061Pro)

Gene: DIAPH1 (diaphanous related formin 1; minus strand). Cytogenetic location: 5q31.3.
Variant type: single nucleotide variant.
Coding change: c.3182A>C on transcript NM_005219.5 (MANE Select); coding-DNA position 3182, A replaced by C.
Protein change: p.Gln1061Pro; replaces glutamine 1061 with proline.
Molecular consequence: missense variant.
Genome position (GRCh38, 1-based): chr5:141,527,664, T>G on the plus strand (A>C on the coding strand, the complement: DIAPH1 is on the minus strand). VCF-style: chr5-141527664-T-G. GRCh37 (hg19) VCF-style: chr5-140907231-T-G.
Other names: c.3155A>C, p.Gln1052Pro (NM_001079812.3); c.3182A>C, p.Gln1061Pro (NM_001314007.2); short protein forms Q1061P, Q1052P.
Identifiers: ClinVar variation 1999321 (VCV001999321.4), dbSNP rs2513621826, ClinGen allele CA361581568.
Genomic context (GRCh38, chr5:141,527,664, plus strand): 5'-TCTGTGGCAGCTGGGAAATTCTGAACATCACGTTCCACATCAGAAATTTGTTTCTTCATC[T>G]GATCTAGGTTCTTTTGCAAGTTTTCAGCAGAAACTAAAAAAAAAAAAAAAAAAAAAAACC-3'
Protein context (NP_005210.3, residues 1051-1071): SAENLQKNLD[Gln1061Pro]MKKQISDVER